The following is an entry in ClinVar:

ClinVar aggregate classification (germline): Conflicting classifications of pathogenicity. Review status: criteria provided, conflicting classifications (1 of 4 stars). 6 submissions from 6 submitters: Uncertain significance (2); Uncertain risk allele (1); Benign (1); Likely benign (2). Last evaluated 2025-07-25.

Conditions:
Congenital generalized lipodystrophy type 1 (CGL1). Also called: Berardinelli-Seip Congenital Lipodystrophy Type 1; BRUNZELL SYNDROME, AGPAT2-RELATED. Identifiers: Orphanet 528, Orphanet 696189, MedGen C1720862, MONDO:0012071, OMIM 608594.
Monogenic diabetes. Identifiers: Orphanet 183625, MedGen C3888631, MONDO:0015967.

Allele frequency attached by ClinVar (database versions not stated): TOPMed 0.00006; 1000 Genomes Project 30x 0.00297; 1000 Genomes Project 0.00319.
gnomAD v4.1: 1,029 of 1,612,802 alleles (0.064%); highest among the groups gnomAD compares: South Asian, 1%; 14 homozygotes.

Submissions (6):

Mayo Clinic Laboratories, Mayo Clinic
Classification: Likely benign. Last evaluated: 2025-07-25. Review status: criteria provided, single submitter. Criteria: ACMG Guidelines, 2015. Collection method: clinical testing. Allele origin: germline. Observed: 1 variant allele.
Comment: BS1

CeGaT Center for Human Genetics Tuebingen
Classification: Benign. Last evaluated: 2023-01-01. Review status: criteria provided, single submitter. Criteria: CeGaT Center For Human Genetics Tuebingen Variant Classification Criteria Version 2. Collection method: clinical testing. Allele origin: germline. Affected: yes. Observed: 1 variant allele.
Comment: AGPAT2: BS1, BS2

Labcorp Genetics (formerly Invitae), Labcorp
Classification: Uncertain significance. Last evaluated: 2021-10-22. Review status: criteria provided, single submitter. Criteria: Invitae Variant Classification Sherloc (09022015). Collection method: clinical testing. Allele origin: germline.
Comment: This sequence change replaces valine with methionine at codon 67 of the AGPAT2 protein (p.Val67Met). The valine residue is moderately conserved and there is a small physicochemical difference between valine and methionine. This variant is present in population databases (rs563539429, ExAC 1.2%), including at least one homozygous and/or hemizygous individual. This variant has been observed in individual(s) with features of lipodystrophy (PMID: 22831748, 30319454). ClinVar contains an entry for this variant (Variation ID: 393427). Algorithms developed to predict the effect of missense changes on protein structure and function (SIFT, PolyPhen-2, Align-GVGD) all suggest that this variant is likely to be tolerated. In summary, the available evidence is currently insufficient to determine the role of this variant in disease. Therefore, it has been classified as a Variant of Uncertain Significance.

Illumina Laboratory Services, Illumina
Classification: Uncertain significance for Congenital generalized lipodystrophy type 1. Last evaluated: 2017-04-27. Review status: criteria provided, single submitter. Criteria: ICSL Variant Classification Criteria 13 December 2019. Collection method: clinical testing. Allele origin: germline.
Comment: This variant was observed as part of a predisposition screen in an ostensibly healthy population. A literature search was performed for the gene, cDNA change, and amino acid change (where applicable). Publications were found based on this search. However, the evidence from the literature, in combination with allele frequency data from public databases where available, was not sufficient to rule this variant in or out of causing disease. Therefore, this variant is classified as a variant of unknown significance.

Personalized Diabetes Medicine Program, University of Maryland School of Medicine
Classification: Likely benign for Monogenic diabetes. Last evaluated: 2016-07-19. Review status: criteria provided, single submitter. Criteria: ACMG Guidelines, 2015. Collection method: research. Allele origin: unknown. Observed: 1 variant allele, 1 heterozygote.
Comment: ACMG Criteria: PP3, BS2 (ExAC), BP4

Clinical Genomics, Uppaluri K&H Personalized Medicine Clinic
Classification: Uncertain risk allele for Congenital generalized lipodystrophy type 1. Review status: criteria provided, single submitter. Criteria: K And H Uppaluri Personalized Medicine Clinic Variant Classification And Assertion Criteria Updated V 2. Collection method: research. Allele origin: unknown. Inheritance: Autosomal recessive inheritance.
Comment: Potent mutations in AGPAT2 gene are associated with Congenital generalized lipodystrophy, type 1, which can present with insulin resistance, fatty liver and diabetes. rs563539429 variant is associated with Partial Lipodystrophy. However, more studies are required to ascertain the role of rs563539429 in Partial Lipodystrophy.

Literature cited by the submitters: PubMed 22831748 (cited by 3 submitters); PubMed 30319454 (cited by 3 submitters).

NM_006412.4(AGPAT2):c.199G>A (p.Val67Met)

Gene: AGPAT2 (1-acylglycerol-3-phosphate O-acyltransferase 2; minus strand). Cytogenetic location: 9q34.3.
Variant type: single nucleotide variant.
Coding change: c.199G>A on transcript NM_006412.4 (MANE Select); coding-DNA position 199, G replaced by A.
Protein change: p.Val67Met; replaces valine 67 with methionine.
Molecular consequence: missense variant.
Genome position (GRCh38, 1-based): chr9:136,677,540, C>T on the plus strand (G>A on the coding strand, the complement: AGPAT2 is on the minus strand). VCF-style: chr9-136677540-C-T. GRCh37 (hg19) VCF-style: chr9-139571992-C-T.
Other names: p.Val67Met; c.199G>A, p.Val67Met (NM_001012727.2); short protein forms V67M.
Identifiers: ClinVar variation 393427 (VCV000393427.35), dbSNP rs563539429, ClinGen allele CA5343113.